The following is an entry in ClinVar:

NM_001031710.3(KLHL7):c.-206C>T

Gene: KLHL7 (kelch like family member 7; plus strand). Cytogenetic location: 7p15.3.
Variant type: single nucleotide variant.
Coding change: c.-206C>T on transcript NM_001031710.3 (MANE Select); 206 bases upstream of the start codon, C replaced by T.
Molecular consequence: 5 prime UTR variant. On other transcripts: non-coding transcript variant (2).
Genome position (GRCh38, 1-based): chr7:23,105,821, C>T. VCF-style: chr7-23105821-C-T. GRCh37 (hg19) VCF-style: chr7-23145440-C-T.
Other names: c.-206C>T (NM_001172428.2).
Identifiers: ClinVar variation 359793 (VCV000359793.5), dbSNP rs184270958, ClinGen allele CA4186184.

ClinVar aggregate classification (germline): Likely benign (1 of 4 stars; one submission).

Conditions:
Retinitis pigmentosa (RP). Identifiers: Orphanet 791, MedGen C0035334, MeSH D012174, MONDO:0019200, OMIM 268000. Inheritance: Autosomal dominant, autosomal recessive and X linked inheritance.

Allele frequency attached by ClinVar (database versions not stated): 1000 Genomes Project 30x 0.00265; ExAC 0.00379; gnomAD 0.00046 and 0.00056; TOPMed 0.00084; gnomAD exomes 0.00120; 1000 Genomes Project 0.00240.
gnomAD v4.1: 300 of 687,492 alleles (0.044%); highest among the groups gnomAD compares: East Asian, 0.6%; 2 homozygotes.

Submission:

Illumina Laboratory Services, Illumina
Classification: Likely benign for Retinitis pigmentosa. Last evaluated: 2018-01-13. Review status: criteria provided, single submitter. Criteria: ICSL Variant Classification Criteria 13 December 2019. Collection method: clinical testing. Allele origin: germline.
Comment: This variant was observed in the ICSL laboratory as part of a predisposition screen in an ostensibly healthy population. It had not been previously curated by ICSL or reported in the Human Gene Mutation Database (HGMD: prior to June 1st, 2018), and was therefore a candidate for classification through an automated scoring system. Utilizing variant allele frequency, disease prevalence and penetrance estimates, and inheritance mode, an automated score was calculated to assess if this variant is too frequent to cause the disease. Based on the score and internal cut-off values, a variant classified as likely benign is not then subjected to further curation. The score for this variant resulted in a classification of likely benign for this disease.